The following is an entry in ClinVar:

NM_017777.4(MKS1):c.858+5G>A

Gene: MKS1 (MKS transition zone complex subunit 1; minus strand). Cytogenetic location: 17q22.
Variant type: single nucleotide variant.
Coding change: c.858+5G>A on transcript NM_017777.4 (MANE Select); 5 bases into the intron after coding-DNA position 858, G replaced by A.
Molecular consequence: intron variant.
Genome position (GRCh38, 1-based): chr17:58,212,977, C>T on the plus strand (G>A on the coding strand, the complement: MKS1 is on the minus strand). VCF-style: chr17-58212977-C-T. GRCh37 (hg19) VCF-style: chr17-56290338-C-T.
Other names: c.249+5G>A (NM_001321268.2); c.858+5G>A (NM_001330397.2, NM_001321269.2, NM_001411113.1).
Identifiers: ClinVar variation 3347042 (VCV003347042.2).

ClinVar aggregate classification (germline): Uncertain significance. Review status: criteria provided, single submitter (1 of 4 stars). 2 submissions from 2 submitters: Uncertain significance (1). 1 of the submissions does not count toward it. Last evaluated 2025-11-11.

Conditions:
MKS1-related disorder. Also called: MKS1-related condition; MKS1-related disorders. Identifiers: MedGen CN239382.

Submissions (2):

Women's Health and Genetics/Laboratory Corporation of America, LabCorp
Classification: Uncertain significance. Last evaluated: 2025-11-11. Review status: criteria provided, single submitter. Criteria: LabCorp Variant Classification Summary - May 2015. Collection method: clinical testing. Allele origin: germline.
Comment: Variant summary: MKS1 c.858+5G>A alters a conserved nucleotide located close to a canonical splice site and therefore could affect mRNA splicing, leading to a significantly altered protein sequence. Several computational tools predict a significant impact on normal splicing: Four predict the variant abolishes the canonical 5' splicing donor site. However, these predictions have yet to be confirmed by functional studies. The variant allele was found at a frequency of 8e-06 in 249584 control chromosomes. The available data on variant occurrences in the general population are insufficient to allow any conclusion about variant significance. To our knowledge, no occurrence of c.858+5G>A in individuals affected with MKS1-related conditions and no experimental evidence demonstrating its impact on protein function have been reported. ClinVar contains an entry for this variant (Variation ID: 3347042). Based on the evidence outlined above, the variant was classified as uncertain significance.

PreventionGenetics, part of Exact Sciences
Classification: Uncertain significance for MKS1-related condition. Last evaluated: 2024-04-25. Review status: no assertion criteria provided. Collection method: clinical testing. Allele origin: germline. Not counted in ClinVar's aggregate classification.
Comment: The MKS1 c.858+5G>A variant is predicted to interfere with splicing. This variant is predicted to decrease the strength of the canonical splice donor site (Alamut Visual Plus v1.6.1). To our knowledge, this variant has not been reported in the literature. This variant is reported in 0.0029% of alleles in individuals of Latino descent in gnomA. At this time, the clinical significance of this variant is uncertain due to the absence of conclusive functional and genetic evidence.